The following is an entry in ClinVar:

NM_014712.3(SETD1A):c.4229C>T (p.Pro1410Leu)

Gene: SETD1A (SET domain containing 1A, histone lysine methyltransferase; plus strand). Cytogenetic location: 16p11.2.
Variant type: single nucleotide variant.
Coding change: c.4229C>T on transcript NM_014712.3 (MANE Select); coding-DNA position 4229, C replaced by T.
Protein change: p.Pro1410Leu; replaces proline 1410 with leucine.
Molecular consequence: missense variant.
Genome position (GRCh38, 1-based): chr16:30,980,015, C>T. VCF-style: chr16-30980015-C-T. GRCh37 (hg19) VCF-style: chr16-30991336-C-T.
Other names: short protein forms P1410L.
Identifiers: ClinVar variation 4845532 (VCV004845532.1).
Genomic context (GRCh38, chr16:30,980,015, plus strand): 5'-GGAGGCGCAGCCTCCGCTCCCACGCCCGGCGCCGCCGCCCTCCGCCCCCACCCCCGCCGC[C>T]ACCGCCCCGCGCCTACGAGCCACGCAGTGAGTTTGAACAGATGACCATCCTGTATGACAT-3'
Protein context (NP_055527.1, residues 1400-1420): RRRPPPPPPP[Pro1410Leu]PPRAYEPRSE

ClinVar aggregate classification (germline): Uncertain significance (1 of 4 stars; one submission).

Submission:

Greenwood Genetic Center Diagnostic Laboratories, Greenwood Genetic Center
Classification: Uncertain significance. Last evaluated: 2025-12-12. Review status: criteria provided, single submitter. Criteria: ACMG Guidelines, 2015. Collection method: clinical testing. Allele origin: germline. Affected: yes.
Comment: PM2, BP4